The following is an entry in ClinVar:

ClinVar aggregate classification (germline): Uncertain significance. Review status: criteria provided, multiple submitters, no conflicts (2 of 4 stars). 3 submissions from 3 submitters: Uncertain significance (3). Last evaluated 2025-03-09.

Conditions:
Cardiovascular phenotype. Identifiers: MedGen CN230736.
Hereditary cancer-predisposing syndrome. Also called: Neoplastic Syndromes, Hereditary; Hereditary Cancer Syndrome; Hereditary neoplastic syndrome; Tumor predisposition. Identifiers: Orphanet 140162, MedGen C0027672, MeSH D009386, MONDO:0015356.
Neurofibromatosis, type 1 (NF1). Also called: Neurofibromatosis, type I; VON RECKLINGHAUSEN DISEASE; Peripheral type neurofibromatosis; NEUROFIBROMATOSIS, TYPE I, SOMATIC. Identifiers: Orphanet 636, MedGen C0027831, MONDO:0018975, OMIM 162200. Disease mechanism: loss of function.

Allele frequency attached by ClinVar (database versions not stated): gnomAD exomes below 0.00001; TOPMed below 0.00001; gnomAD 0.00001.
gnomAD v4.1: 2 of 1,613,804 alleles (0.00012%); highest among the groups gnomAD compares: African/African-American, 0.0013%; no homozygotes.

Submissions (3):

Labcorp Genetics (formerly Invitae), Labcorp
Classification: Uncertain significance for Neurofibromatosis, type 1. Last evaluated: 2025-03-09. Review status: criteria provided, single submitter. Criteria: Invitae Variant Classification Sherloc (09022015). Collection method: clinical testing. Allele origin: germline.
Comment: This sequence change replaces cysteine, which is neutral and slightly polar, with tyrosine, which is neutral and polar, at codon 2233 of the NF1 protein (p.Cys2233Tyr). This variant is present in population databases (no rsID available, gnomAD 0.01%). This variant has not been reported in the literature in individuals affected with NF1-related conditions. ClinVar contains an entry for this variant (Variation ID: 853017). Invitae Evidence Modeling of protein sequence and biophysical properties (such as structural, functional, and spatial information, amino acid conservation, physicochemical variation, residue mobility, and thermodynamic stability) indicates that this missense variant is expected to disrupt NF1 protein function with a positive predictive value of 95%. In summary, the available evidence is currently insufficient to determine the role of this variant in disease. Therefore, it has been classified as a Variant of Uncertain Significance.

Quest Diagnostics Nichols Institute San Juan Capistrano
Classification: Uncertain significance. Last evaluated: 2024-06-28. Review status: criteria provided, single submitter. Criteria: Quest Diagnostics criteria. Collection method: clinical testing. Allele origin: unknown.

Ambry Genetics
Classification: Uncertain significance for Cardiovascular phenotype; Hereditary cancer-predisposing syndrome. Last evaluated: 2023-03-15. Review status: criteria provided, single submitter. Criteria: Ambry Variant Classification Scheme 2023. Collection method: clinical testing. Allele origin: germline.
Comment: The p.C2233Y variant (also known as c.6698G>A), located in coding exon 44 of the NF1 gene, results from a G to A substitution at nucleotide position 6698. The cysteine at codon 2233 is replaced by tyrosine, an amino acid with highly dissimilar properties. This amino acid position is highly conserved in available vertebrate species. In addition, this alteration is predicted to be deleterious by in silico analysis. Since supporting evidence is limited at this time, the clinical significance of this alteration remains unclear.

NM_001042492.3(NF1):c.6761G>A (p.Cys2254Tyr)

Gene: NF1 (neurofibromin 1; plus strand). Cytogenetic location: 17q11.2.
Variant type: single nucleotide variant.
Coding change: c.6761G>A on transcript NM_001042492.3 (MANE Select); coding-DNA position 6761, G replaced by A.
Protein change: p.Cys2254Tyr; replaces cysteine 2254 with tyrosine.
Molecular consequence: missense variant.
Genome position (GRCh38, 1-based): chr17:31,338,081, G>A. VCF-style: chr17-31338081-G-A. GRCh37 (hg19) VCF-style: chr17-29665099-G-A.
Other names: c.6698G>A, p.Cys2233Tyr (NM_000267.4); short protein forms C2254Y, C2233Y.
Identifiers: ClinVar variation 853017 (VCV000853017.9), dbSNP rs1361250850, ClinGen allele CA399014100.